The following is an entry in ClinVar:

ClinVar aggregate classification (germline): Uncertain significance (1 of 4 stars; one submission).

gnomAD v4.1: 1 of 1,513,592 alleles (0.000066%); highest among the groups gnomAD compares: Non-Finnish European, 0.000088%; no homozygotes.

Submission:

Labcorp Genetics (formerly Invitae), Labcorp
Classification: Uncertain significance. Last evaluated: 2025-06-15. Review status: criteria provided, single submitter. Criteria: Invitae Variant Classification Sherloc (09022015). Collection method: clinical testing. Allele origin: germline.
Comment: This sequence change replaces leucine, which is neutral and non-polar, with valine, which is neutral and non-polar, at codon 696 of the BCL11B protein (p.Leu696Val). This variant is not present in population databases (gnomAD no frequency). This variant has not been reported in the literature in individuals affected with BCL11B-related conditions. Invitae Evidence Modeling of protein sequence and biophysical properties (such as structural, functional, and spatial information, amino acid conservation, physicochemical variation, residue mobility, and thermodynamic stability) has been performed for this missense variant. However, the output from this modeling did not meet the statistical confidence thresholds required to predict the impact of this variant on BCL11B protein function. In summary, the available evidence is currently insufficient to determine the role of this variant in disease. Therefore, it has been classified as a Variant of Uncertain Significance.

NM_138576.4(BCL11B):c.2086C>G (p.Leu696Val)

Gene: BCL11B (BCL11 transcription factor B; minus strand). Cytogenetic location: 14q32.2.
Variant type: single nucleotide variant.
Coding change: c.2086C>G on transcript NM_138576.4 (MANE Select); coding-DNA position 2086, C replaced by G.
Protein change: p.Leu696Val; replaces leucine 696 with valine.
Molecular consequence: missense variant.
Genome position (GRCh38, 1-based): chr14:99,174,750, G>C on the plus strand (C>G on the coding strand, the complement: BCL11B is on the minus strand). VCF-style: chr14-99174750-G-C. GRCh37 (hg19) VCF-style: chr14-99641087-G-C.
Other names: c.2083C>G, p.Leu695Val (NM_001282237.2); c.1870C>G, p.Leu624Val (NM_001282238.2); c.1873C>G, p.Leu625Val (NM_022898.3); short protein forms L625V, L695V, L624V, L696V.
Identifiers: ClinVar variation 4746859 (VCV004746859.1).